The following is an entry in ClinVar:

ClinVar aggregate classification (germline): Uncertain significance (1 of 4 stars; one submission).

Conditions:
Norman-Roberts syndrome (LIS2). Also called: Lissencephaly 2 (Norman-Roberts type). Identifiers: Orphanet 89844, MedGen C0796089, MONDO:0009760, OMIM 257320.
Familial temporal lobe epilepsy 7. Identifiers: Orphanet 101046, MedGen C4225327, MONDO:0014639, OMIM 616436.

gnomAD v4.1: 1 of 1,614,120 alleles (0.000062%); highest among the groups gnomAD compares: African/African-American, 0.0013%; no homozygotes.

Submission:

Labcorp Genetics (formerly Invitae), Labcorp
Classification: Uncertain significance for Familial temporal lobe epilepsy 7; Norman-Roberts syndrome. Last evaluated: 2019-03-26. Review status: criteria provided, single submitter. Criteria: Invitae Variant Classification Sherloc (09022015). Collection method: clinical testing. Allele origin: germline.
Comment: This sequence change replaces arginine with leucine at codon 3018 of the RELN protein (p.Arg3018Leu). The arginine residue is highly conserved and there is a moderate physicochemical difference between arginine and leucine. This variant is not present in population databases (ExAC no frequency). This variant has not been reported in the literature in individuals with RELN-related conditions. Algorithms developed to predict the effect of missense changes on protein structure and function are either unavailable or do not agree on the potential impact of this missense change (SIFT: "Deleterious"; PolyPhen-2: "Benign"; Align-GVGD: "Class C0"). In summary, the available evidence is currently insufficient to determine the role of this variant in disease. Therefore, it has been classified as a Variant of Uncertain Significance.

NM_005045.4(RELN):c.9053G>T (p.Arg3018Leu)

Genes: SLC26A5-AS1 (SLC26A5 antisense RNA 1; plus strand), RELN (reelin; minus strand). Cytogenetic location: 7q22.1.
Variant type: single nucleotide variant.
Coding change: c.9053G>T on transcript NM_005045.4 (MANE Select); coding-DNA position 9053, G replaced by T.
Protein change: p.Arg3018Leu; replaces arginine 3018 with leucine.
Molecular consequence: missense variant.
Genome position (GRCh38, 1-based): chr7:103,496,666, C>A on the plus strand (G>T on the coding strand, the complement: RELN is on the minus strand). VCF-style: chr7-103496666-C-A. GRCh37 (hg19) VCF-style: chr7-103137113-C-A.
Other names: c.9053G>T, p.Arg3018Leu (NM_173054.3); short protein forms R3018L.
Identifiers: ClinVar variation 945797 (VCV000945797.9), dbSNP rs1828850685, ClinGen allele CA368751502.